The following is an entry in ClinVar:

ClinVar aggregate classification (germline): Uncertain significance. Review status: criteria provided, multiple submitters, no conflicts (2 of 4 stars). 2 submissions from 2 submitters: Uncertain significance (2). Last evaluated 2025-08-24.

Conditions:
Cardiovascular phenotype. Identifiers: MedGen CN230736.
Hereditary cancer-predisposing syndrome. Also called: Hereditary Cancer Syndrome; Hereditary neoplastic syndrome; Neoplastic Syndromes, Hereditary; Tumor predisposition. Identifiers: Orphanet 140162, MedGen C0027672, MeSH D009386, MONDO:0015356.
Neurofibromatosis, type 1 (NF1). Also called: VON RECKLINGHAUSEN DISEASE; Neurofibromatosis, type I; Peripheral type neurofibromatosis; NEUROFIBROMATOSIS, TYPE I, SOMATIC. Identifiers: Orphanet 636, MedGen C0027831, MONDO:0018975, OMIM 162200. Disease mechanism: loss of function.

Submissions (2):

Labcorp Genetics (formerly Invitae), Labcorp
Classification: Uncertain significance for Neurofibromatosis, type 1. Last evaluated: 2025-08-24. Review status: criteria provided, single submitter. Criteria: Invitae Variant Classification Sherloc (09022015). Collection method: clinical testing. Allele origin: germline.
Comment: This sequence change replaces lysine, which is basic and polar, with asparagine, which is neutral and polar, at codon 2139 of the NF1 protein (p.Lys2139Asn). This variant is not present in population databases (gnomAD no frequency). This variant has not been reported in the literature in individuals affected with NF1-related conditions. ClinVar contains an entry for this variant (Variation ID: 2850580). Invitae Evidence Modeling of protein sequence and biophysical properties (such as structural, functional, and spatial information, amino acid conservation, physicochemical variation, residue mobility, and thermodynamic stability) indicates that this missense variant is expected to disrupt NF1 protein function with a positive predictive value of 95%. In summary, the available evidence is currently insufficient to determine the role of this variant in disease. Therefore, it has been classified as a Variant of Uncertain Significance.

Ambry Genetics
Classification: Uncertain significance for Cardiovascular phenotype; Hereditary cancer-predisposing syndrome. Last evaluated: 2024-08-12. Review status: criteria provided, single submitter. Criteria: Ambry Variant Classification Scheme 2023. Collection method: clinical testing. Allele origin: germline.
Comment: The p.K2139N variant (also known as c.6417A>T), located in coding exon 42 of the NF1 gene, results from an A to T substitution at nucleotide position 6417. The lysine at codon 2139 is replaced by asparagine, an amino acid with similar properties. This amino acid position is conserved. In addition, the in silico prediction for this alteration is inconclusive. Based on the available evidence, the clinical significance of this variant remains unclear.

NM_001042492.3(NF1):c.6480A>T (p.Lys2160Asn)

Gene: NF1 (neurofibromin 1; plus strand). Cytogenetic location: 17q11.2.
Variant type: single nucleotide variant.
Coding change: c.6480A>T on transcript NM_001042492.3 (MANE Select); coding-DNA position 6480, A replaced by T.
Protein change: p.Lys2160Asn; replaces lysine 2160 with asparagine.
Molecular consequence: missense variant.
Genome position (GRCh38, 1-based): chr17:31,337,420, A>T. VCF-style: chr17-31337420-A-T. GRCh37 (hg19) VCF-style: chr17-29664438-A-T.
Other names: c.6417A>T, p.Lys2139Asn (NM_000267.4); short protein forms K2139N, K2160N.
Identifiers: ClinVar variation 2850580 (VCV002850580.4), dbSNP rs1060503918, ClinGen allele CA399013101.